The following is an entry in ClinVar:

NM_006086.4(TUBB3):c.31C>A (p.Gln11Lys)

Genes: TUBB3 (tubulin beta 3 class III; plus strand), LOC130059847 (ATAC-STARR-seq lymphoblastoid silent region 7932; plus strand). Cytogenetic location: 16q24.3.
Variant type: single nucleotide variant.
Coding change: c.31C>A on transcript NM_006086.4 (MANE Select); coding-DNA position 31, C replaced by A.
Protein change: p.Gln11Lys; replaces glutamine 11 with lysine.
Molecular consequence: missense variant. On other transcripts: intron variant (1).
Genome position (GRCh38, 1-based): chr16:89,923,432, C>A. VCF-style: chr16-89923432-C-A. GRCh37 (hg19) VCF-style: chr16-89989840-C-A.
Other names: c.-160+1187C>A (NM_001197181.2); short protein forms Q11K.
Identifiers: ClinVar variation 2844154 (VCV002844154.3), dbSNP rs2544615220, ClinGen allele CA397467006.

ClinVar aggregate classification (germline): Uncertain significance (1 of 4 stars; one submission).

Submission:

Labcorp Genetics (formerly Invitae), Labcorp
Classification: Uncertain significance. Last evaluated: 2023-03-08. Review status: criteria provided, single submitter. Criteria: Invitae Variant Classification Sherloc (09022015). Collection method: clinical testing. Allele origin: germline.
Comment: Advanced modeling of protein sequence and biophysical properties (such as structural, functional, and spatial information, amino acid conservation, physicochemical variation, residue mobility, and thermodynamic stability) performed at Invitae indicates that this missense variant is expected to disrupt TUBB3 protein function. In summary, the available evidence is currently insufficient to determine the role of this variant in disease. Therefore, it has been classified as a Variant of Uncertain Significance. This variant has not been reported in the literature in individuals affected with TUBB3-related conditions. This variant is not present in population databases (gnomAD no frequency). This sequence change replaces glutamine, which is neutral and polar, with lysine, which is basic and polar, at codon 11 of the TUBB3 protein (p.Gln11Lys).